The following is an entry in ClinVar:

NM_007254.4(PNKP):c.308C>T (p.Thr103Ile)

Gene: PNKP (polynucleotide kinase 3'-phosphatase; minus strand). Cytogenetic location: 19q13.33.
Variant type: single nucleotide variant.
Coding change: c.308C>T on transcript NM_007254.4 (MANE Select); coding-DNA position 308, C replaced by T.
Protein change: p.Thr103Ile; replaces threonine 103 with isoleucine.
Molecular consequence: missense variant.
Genome position (GRCh38, 1-based): chr19:49,865,317, G>A on the plus strand (C>T on the coding strand, the complement: PNKP is on the minus strand). VCF-style: chr19-49865317-G-A. GRCh37 (hg19) VCF-style: chr19-50368574-G-A.
Other names: short protein forms T103I.
Identifiers: ClinVar variation 95482 (VCV000095482.35), dbSNP rs115419706, ClinGen allele CA223014.

ClinVar aggregate classification (germline): Uncertain significance. Review status: criteria provided, multiple submitters, no conflicts (2 of 4 stars). 7 submissions from 7 submitters: Uncertain significance (7). Last evaluated 2026-08-09.

Conditions:
Inborn genetic diseases. Identifiers: MedGen C0950123, MeSH D030342.
Developmental and epileptic encephalopathy, 12 (DEE12). Identifiers: MedGen C3150988, MONDO:0013389, OMIM 613722.

Allele frequency attached by ClinVar (database versions not stated): gnomAD exomes 0.00003 and 0.00008; gnomAD 0.00033 and 0.00034; TOPMed 0.00043; ExAC 0.00014; ESP Exome Variant Server 0.00054; 1000 Genomes Project 30x 0.00172; 1000 Genomes Project 0.00180.
gnomAD v4.1: 91 of 1,614,174 alleles (0.0056%); highest among the groups gnomAD compares: African/African-American, 0.11%; no homozygotes.

Submissions (7):

GeneDx
Classification: Uncertain significance. Last evaluated: 2026-08-09. Review status: criteria provided, single submitter. Criteria: GeneDx Variant Classification Process June 2021. Collection method: clinical testing. Allele origin: germline.
Comment: In silico analysis supports that this missense variant has a deleterious effect on protein structure/function; Has not been previously published as pathogenic or benign to our knowledge; This variant is associated with the following publications: (PMID: 22508754)

CeGaT Center for Human Genetics Tuebingen
Classification: Uncertain significance. Last evaluated: 2026-01-01. Review status: criteria provided, single submitter. Criteria: CeGaT Center For Human Genetics Tuebingen Variant Classification Criteria Version 2. Collection method: clinical testing. Allele origin: germline. Affected: yes. Observed: 1 variant allele.
Comment: PNKP: PM2

Labcorp Genetics (formerly Invitae), Labcorp
Classification: Uncertain significance for Developmental and epileptic encephalopathy, 12. Last evaluated: 2025-01-13. Review status: criteria provided, single submitter. Criteria: Invitae Variant Classification Sherloc (09022015). Collection method: clinical testing. Allele origin: germline.
Comment: This sequence change replaces threonine, which is neutral and polar, with isoleucine, which is neutral and non-polar, at codon 103 of the PNKP protein (p.Thr103Ile). This variant is present in population databases (rs115419706, gnomAD 0.1%). This variant has not been reported in the literature in individuals affected with PNKP-related conditions. ClinVar contains an entry for this variant (Variation ID: 95482). An algorithm developed to predict the effect of missense changes on protein structure and function outputs the following: PolyPhen-2: "Benign". The isoleucine amino acid residue is found in multiple mammalian species, which suggests that this missense change does not adversely affect protein function. In summary, the available evidence is currently insufficient to determine the role of this variant in disease. Therefore, it has been classified as a Variant of Uncertain Significance.

Women's Health and Genetics/Laboratory Corporation of America, LabCorp
Classification: Uncertain significance. Last evaluated: 2024-07-09. Review status: criteria provided, single submitter. Criteria: LabCorp Variant Classification Summary - May 2015. Collection method: clinical testing. Allele origin: germline.
Comment: Variant summary: PNKP c.308C>T (p.Thr103Ile) results in a non-conservative amino acid change in the encoded protein sequence. Three of five in-silico tools predict a benign effect of the variant on protein function. The variant allele was found at a frequency of 8.4e-05 in 251328 control chromosomes. This frequency is not significantly higher than estimated for a pathogenic variant in PNKP causing PNKP-Related Disorders, allowing no conclusion about variant significance. To our knowledge, no occurrence of c.308C>T in individuals affected with PNKP-Related Disorders and no experimental evidence demonstrating its impact on protein function have been reported. ClinVar contains an entry for this variant (Variation ID: 95482). Based on the evidence outlined above, the variant was classified as uncertain significance.

Mayo Clinic Laboratories, Mayo Clinic
Classification: Uncertain significance. Last evaluated: 2020-02-04. Review status: criteria provided, single submitter. Criteria: ACMG Guidelines, 2015. Collection method: clinical testing. Allele origin: germline. Observed: 1 variant allele.

Ambry Genetics
Classification: Uncertain significance for Inborn genetic diseases. Last evaluated: 2019-02-17. Review status: criteria provided, single submitter. Criteria: Ambry Variant Classification Scheme 2023. Collection method: clinical testing. Allele origin: germline.
Comment: The p.T103I variant (also known as c.308C>T), located in coding exon 3 of the PNKP gene, results from a C to T substitution at nucleotide position 308. The threonine at codon 103 is replaced by isoleucine, an amino acid with similar properties. This amino acid position is well conserved on limited sequence alignment; however, isoleucine is the reference amino acid in other vertebrate species. In addition, this alteration is predicted to be tolerated by in silico analysis. Since supporting evidence is limited at this time, the clinical significance of this alteration remains unclear.

Eurofins Ntd Llc (ga)
Classification: Uncertain significance. Last evaluated: 2013-08-09. Review status: criteria provided, single submitter. Criteria: EGL Classification Definitions 2015. Collection method: clinical testing. Allele origin: germline. Observed: 1 variant allele, 1 heterozygote.